The following is an entry in ClinVar:

ClinVar aggregate classification (germline): Conflicting classifications of pathogenicity. Review status: criteria provided, conflicting classifications (1 of 4 stars). 2 submissions from 2 submitters: Likely pathogenic (1); Uncertain significance (1). Last evaluated 2025-06-06.

Conditions:
Wilson disease (WND). Also called: Wilson's disease. Identifiers: Orphanet 905, MedGen C0019202, MONDO:0010200, OMIM 277900. Disease mechanism: loss of function.

Allele frequency attached by ClinVar (database versions not stated): ExAC 0.00001; gnomAD exomes 0.00002.
gnomAD v4.1: 10 of 1,613,582 alleles (0.00062%); highest among the groups gnomAD compares: South Asian, 0.011%; no homozygotes.

Submissions (2):

Labcorp Genetics (formerly Invitae), Labcorp
Classification: Uncertain significance for Wilson disease. Last evaluated: 2025-06-06. Review status: criteria provided, single submitter. Criteria: Invitae Variant Classification Sherloc (09022015). Collection method: clinical testing. Allele origin: germline.
Comment: This sequence change replaces leucine, which is neutral and non-polar, with proline, which is neutral and non-polar, at codon 1350 of the ATP7B protein (p.Leu1350Pro). This variant is present in population databases (rs764603742, gnomAD 0.007%). This missense change has been observed in individual(s) with Wilson disease (PMID: 33640437, 36112267). ClinVar contains an entry for this variant (Variation ID: 3240808). Invitae Evidence Modeling of protein sequence and biophysical properties (such as structural, functional, and spatial information, amino acid conservation, physicochemical variation, residue mobility, and thermodynamic stability) indicates that this missense variant is expected to disrupt ATP7B protein function with a positive predictive value of 80%. In summary, the available evidence is currently insufficient to determine the role of this variant in disease. Therefore, it has been classified as a Variant of Uncertain Significance.

Baylor Genetics
Classification: Likely pathogenic for Wilson disease. Last evaluated: 2024-03-28. Review status: criteria provided, single submitter. Criteria: ACMG Guidelines, 2015. Collection method: clinical testing. Allele origin: unknown.

Literature cited by the submitters: PubMed 33640437 (cited by Labcorp Genetics (formerly Invitae), Labcorp); PubMed 36112267 (cited by Labcorp Genetics (formerly Invitae), Labcorp).

NM_000053.4(ATP7B):c.4049T>C (p.Leu1350Pro)

Gene: ATP7B (ATPase copper transporting beta; minus strand). Cytogenetic location: 13q14.3.
Variant type: single nucleotide variant.
Coding change: c.4049T>C on transcript NM_000053.4 (MANE Select); coding-DNA position 4049, T replaced by C.
Protein change: p.Leu1350Pro; replaces leucine 1350 with proline.
Molecular consequence: missense variant.
Genome position (GRCh38, 1-based): chr13:51,935,668, A>G on the plus strand (T>C on the coding strand, the complement: ATP7B is on the minus strand). VCF-style: chr13-51935668-A-G. GRCh37 (hg19) VCF-style: chr13-52509804-A-G.
Other names: c.3620T>C, p.Leu1207Pro (NM_001406539.1); c.3602T>C, p.Leu1201Pro (NM_001406540.1); c.3563T>C, p.Leu1188Pro (NM_001406541.1, NM_001406542.1); c.3557T>C, p.Leu1186Pro (NM_001406543.1); c.3467T>C, p.Leu1156Pro (NM_001406544.1); c.3401T>C, p.Leu1134Pro (NM_001406545.1); c.3368T>C, p.Leu1123Pro (NM_001406546.1); c.3206T>C, p.Leu1069Pro (NM_001406547.1); and 21 more; short protein forms L1069P, L1123P, L1134P, L1143P, L1156P, L1186P, L1188P, L1201P.
Identifiers: ClinVar variation 3240808 (VCV003240808.2), dbSNP rs764603742.